The following is an entry in ClinVar:

NM_000138.5(FBN1):c.2786C>T (p.Thr929Ile)

Gene: FBN1 (fibrillin 1; minus strand). Cytogenetic location: 15q21.1.
Variant type: single nucleotide variant.
Coding change: c.2786C>T on transcript NM_000138.5 (MANE Select); coding-DNA position 2786, C replaced by T.
Protein change: p.Thr929Ile; replaces threonine 929 with isoleucine.
Molecular consequence: missense variant.
Genome position (GRCh38, 1-based): chr15:48,492,529, G>A on the plus strand (C>T on the coding strand, the complement: FBN1 is on the minus strand). VCF-style: chr15-48492529-G-A. GRCh37 (hg19) VCF-style: chr15-48784726-G-A.
Other names: c.2786C>T, p.Thr929Ile (NM_001406716.1); short protein forms T929I.
Identifiers: ClinVar variation 2773371 (VCV002773371.7), dbSNP rs764560018, ClinGen allele CA048862.

ClinVar aggregate classification (germline): Uncertain significance. Review status: criteria provided, multiple submitters, no conflicts (2 of 4 stars). 3 submissions from 3 submitters: Uncertain significance (3). Last evaluated 2025-06-24.

Conditions:
Marfan syndrome (MFS). Also called: FBN1-Related Marfan Syndrome; MARFAN SYNDROME, TYPE I; Marfan syndrome type 1; Marfan's syndrome; Marfan syndrome, classic. Identifiers: Orphanet 284963, Orphanet 558, MedGen C0024796, MONDO:0007947, OMIM 154700.
Familial thoracic aortic aneurysm and aortic dissection (TAAD). Also called: Thoracic aortic aneurysms and dissections. Identifiers: Orphanet 91387, MedGen C4707243, MONDO:0019625.

Allele frequency attached by ClinVar (database versions not stated): TOPMed below 0.00001; ExAC 0.00001; gnomAD 0.00001.
gnomAD v4.1: 4 of 1,612,238 alleles (0.00025%); highest among the groups gnomAD compares: Non-Finnish European, 0.00034%; no homozygotes.

Submissions (3):

Labcorp Genetics (formerly Invitae), Labcorp
Classification: Uncertain significance for Marfan syndrome; Familial thoracic aortic aneurysm and aortic dissection. Last evaluated: 2025-06-24. Review status: criteria provided, single submitter. Criteria: Invitae Variant Classification Sherloc (09022015). Collection method: clinical testing. Allele origin: germline.
Comment: This sequence change replaces threonine, which is neutral and polar, with isoleucine, which is neutral and non-polar, at codon 929 of the FBN1 protein (p.Thr929Ile). This variant is present in population databases (rs764560018, gnomAD 0.0009%). This variant has not been reported in the literature in individuals affected with FBN1-related conditions. ClinVar contains an entry for this variant (Variation ID: 2773371). Invitae Evidence Modeling of protein sequence and biophysical properties (such as structural, functional, and spatial information, amino acid conservation, physicochemical variation, residue mobility, and thermodynamic stability) indicates that this missense variant is expected to disrupt FBN1 protein function with a positive predictive value of 95%. In summary, the available evidence is currently insufficient to determine the role of this variant in disease. Therefore, it has been classified as a Variant of Uncertain Significance.

All of Us Research Program, National Institutes of Health
Classification: Uncertain significance for Marfan syndrome. Last evaluated: 2024-08-13. Review status: criteria provided, single submitter. Criteria: ACMG Guidelines, 2015. Collection method: clinical testing. Allele origin: germline. Inheritance: Autosomal dominant inheritance. Observed: 2 variant alleles, 2 heterozygotes.
Comment: This missense variant replaces threonine with isoleucine at codon 929 of the FBN1 protein. Computational prediction is inconclusive regarding the impact of this variant on protein structure and function (internally defined REVEL score threshold 0.5 < inconclusive < 0.7, PMID: 27666373). To our knowledge, functional studies have not been reported for this variant. This variant has not been reported in individuals affected with FBN1-related disorders in the literature. This variant has been identified in 1/251432 chromosomes in the general population by the Genome Aggregation Database (gnomAD). The available evidence is insufficient to determine the role of this variant in disease conclusively. Therefore, this variant is classified as a Variant of Uncertain Significance.

This study involves interpretation of variants in research participants for the purpose of population health screening. Participant phenotype was not available at the time of variant classification. Additional details can be found in publication PMID: 35346344, PMCID: PMC8962531

Color Diagnostics, LLC DBA Color Health
Classification: Uncertain significance for Familial thoracic aortic aneurysm and aortic dissection. Last evaluated: 2024-07-31. Review status: criteria provided, single submitter. Criteria: ACMG Guidelines, 2015. Collection method: clinical testing. Allele origin: germline.
Comment: This missense variant replaces threonine with isoleucine at codon 929 of the FBN1 protein. Computational prediction is inconclusive regarding the impact of this variant on protein structure and function. To our knowledge, functional studies have not been reported for this variant. This variant has not been reported in individuals affected with FBN1-related disorders in the literature. This variant has been identified in 1/251432 chromosomes in the general population by the Genome Aggregation Database (gnomAD). The available evidence is insufficient to determine the role of this variant in disease conclusively. Therefore, this variant is classified as a Variant of Uncertain Significance.